The following is an entry in ClinVar:

NM_024675.4(PALB2):c.339A>G (p.Pro113=)

Gene: PALB2 (partner and localizer of BRCA2; minus strand). Cytogenetic location: 16p12.2.
Variant type: single nucleotide variant.
Coding change: c.339A>G on transcript NM_024675.4 (MANE Select); coding-DNA position 339, A replaced by G.
Protein change: p.Pro113=; no amino-acid change (proline 113 retained).
Molecular consequence: synonymous variant. On other transcripts: 5 prime UTR variant (8), intron variant (3).
Genome position (GRCh38, 1-based): chr16:23,636,207, T>C on the plus strand (A>G on the coding strand, the complement: PALB2 is on the minus strand). VCF-style: chr16-23636207-T-C. GRCh37 (hg19) VCF-style: chr16-23647528-T-C.
Other names: c.279A>G, p.Pro93= (NM_001407296.1); c.339A>G, p.Pro113= (NM_001407297.1, NM_001407298.1, NM_001407299.1 and 3 more transcripts); c.-547A>G (NM_001407304.1, NM_001407305.1, NM_001407306.1 and 5 more transcripts); c.48+4903A>G (NM_001407314.1); c.-105+4903A>G (NM_001407313.1, NM_001407312.1).
Identifiers: ClinVar variation 3903541 (VCV003903541.1).
Genomic context (GRCh38, chr16:23,636,207, plus strand): 5'-ACTGACCCTGTGGGGAAAATGTTCTTGGGTGTCATCTGTTCTTTGTATAGGTAATCCTCC[T>C]GGGCCATCTCCAGGGTTAAAGGACTCAGGCCCAACATCAAGTGTGATAGATGTCTTTTCT-3'
Protein context (NP_078951.2, residues 103-123): GPESFNPGDG[Pro113=]GGLPIQRTDD

ClinVar aggregate classification (germline): Benign (1 of 4 stars; one submission).

Conditions:
Familial cancer of breast. Also called: Hereditary breast cancer; hereditary breast carcinoma; BREAST CANCER, FAMILIAL. Identifiers: Orphanet 227535, MedGen C0346153, MONDO:0016419, OMIM 114480. Disease mechanism: loss of function.

gnomAD v4.1: 1 of 1,613,420 alleles (0.000062%); highest among the groups gnomAD compares: Admixed American, 0.0017%; no homozygotes.

Submission:

Myriad Genetics, Inc.
Classification: Benign for Familial cancer of breast. Last evaluated: 2025-01-10. Review status: criteria provided, single submitter. Criteria: Myriad Autosomal Dominant, Autosomal Recessive and X-Linked Classification Criteria (2023). Collection method: clinical testing. Allele origin: unknown.
Comment: This variant is considered benign. This variant is a silent/synonymous amino acid change and it is not expected to impact splicing.